The following is an entry in ClinVar:

ClinVar aggregate classification (germline): Uncertain significance. Review status: criteria provided, multiple submitters, no conflicts (2 of 4 stars). 2 submissions from 2 submitters: Uncertain significance (2). Last evaluated 2023-08-09.

Conditions:
Inborn genetic diseases. Identifiers: MedGen C0950123, MeSH D030342.

Allele frequency attached by ClinVar (database versions not stated): gnomAD 0.00003; TOPMed 0.00003.
gnomAD v4.1: 7 of 1,614,016 alleles (0.00043%); highest among the groups gnomAD compares: African/African-American, 0.0093%; no homozygotes.

Submissions (2):

Labcorp Genetics (formerly Invitae), Labcorp
Classification: Uncertain significance. Last evaluated: 2023-08-09. Review status: criteria provided, single submitter. Criteria: Invitae Variant Classification Sherloc (09022015). Collection method: clinical testing. Allele origin: germline.
Comment: ClinVar contains an entry for this variant (Variation ID: 2187128). This variant has not been reported in the literature in individuals affected with NDUFS1-related conditions. This variant is present in population databases (no rsID available, gnomAD 0.01%). This sequence change replaces alanine, which is neutral and non-polar, with threonine, which is neutral and polar, at codon 594 of the NDUFS1 protein (p.Ala594Thr). Advanced modeling of protein sequence and biophysical properties (such as structural, functional, and spatial information, amino acid conservation, physicochemical variation, residue mobility, and thermodynamic stability) performed at Invitae indicates that this missense variant is not expected to disrupt NDUFS1 protein function. In summary, the available evidence is currently insufficient to determine the role of this variant in disease. Therefore, it has been classified as a Variant of Uncertain Significance.

Ambry Genetics
Classification: Uncertain significance for Inborn genetic diseases. Last evaluated: 2022-02-11. Review status: criteria provided, single submitter. Criteria: Ambry Variant Classification Scheme 2023. Collection method: clinical testing. Allele origin: germline.

NM_005006.7(NDUFS1):c.1780G>A (p.Ala594Thr)

Gene: NDUFS1 (NADH:ubiquinone oxidoreductase core subunit S1; minus strand). Cytogenetic location: 2q33.3.
Variant type: single nucleotide variant.
Coding change: c.1780G>A on transcript NM_005006.7 (MANE Select); coding-DNA position 1780, G replaced by A.
Protein change: p.Ala594Thr; replaces alanine 594 with threonine.
Molecular consequence: missense variant.
Genome position (GRCh38, 1-based): chr2:206,127,901, C>T on the plus strand (G>A on the coding strand, the complement: NDUFS1 is on the minus strand). VCF-style: chr2-206127901-C-T. GRCh37 (hg19) VCF-style: chr2-206992625-C-T.
Other names: c.1780G>A (NM_005006.6); c.1672G>A, p.Ala558Thr (NM_001199981.2); c.1447G>A, p.Ala483Thr (NM_001199982.2); c.1609G>A, p.Ala537Thr (NM_001199983.2); c.1822G>A, p.Ala608Thr (NM_001199984.2); short protein forms A558T, A594T, A608T, A483T, A537T.
Identifiers: ClinVar variation 2187128 (VCV002187128.5), dbSNP rs1021309675, ClinGen allele CA63648684.
Genomic context (GRCh38, chr2:206,127,901, plus strand): 5'-CAGGAGGTGTCACTGCTACCTTAGTCTGCTGAGCTCTACCCTCAGTGTTGACATATGTAG[C>T]AGACTTCTCTGTGTAAGCAGCTCCTGGGAGAATAACATCAGCTATGGGAGCCCCAACATC-3'
Protein context (NP_004997.4, residues 584-604): LPGAAYTEKS[Ala594Thr]TYVNTEGRAQ